The following is an entry in ClinVar:

NM_002691.4(POLD1):c.2434C>A (p.Leu812Met)

Gene: POLD1 (DNA polymerase delta 1, catalytic subunit; plus strand). Cytogenetic location: 19q13.33.
Variant type: single nucleotide variant.
Coding change: c.2434C>A on transcript NM_002691.4 (MANE Select); coding-DNA position 2434, C replaced by A.
Protein change: p.Leu812Met; replaces leucine 812 with methionine.
Molecular consequence: missense variant. On other transcripts: non-coding transcript variant (1).
Genome position (GRCh38, 1-based): chr19:50,414,860, C>A. VCF-style: chr19-50414860-C-A. GRCh37 (hg19) VCF-style: chr19-50918117-C-A.
Other names: c.2434C>A (NM_002691.2); c.2434C>A, p.Leu812Met (NM_001256849.1); c.2512C>A, p.Leu838Met (NM_001308632.1); short protein forms L838M, L812M.
Identifiers: ClinVar variation 847974 (VCV000847974.15), dbSNP rs2039215653, ClinGen allele CA406984693.

ClinVar aggregate classification (germline): Uncertain significance. Review status: criteria provided, multiple submitters, no conflicts (2 of 4 stars). 2 submissions from 2 submitters: Uncertain significance (2). Last evaluated 2025-10-16.

Conditions:
Hereditary cancer-predisposing syndrome. Also called: Tumor predisposition; Hereditary Cancer Syndrome; Hereditary neoplastic syndrome; Neoplastic Syndromes, Hereditary. Identifiers: Orphanet 140162, MedGen C0027672, MeSH D009386, MONDO:0015356.
Familial colorectal cancer. Identifiers: MedGen CN280943, MONDO:0023113. Disease mechanism: loss of function.
Mandibular hypoplasia-deafness-progeroid syndrome. Also called: Mandibular hypoplasia, deafness, progeroid features, and lipodystrophy syndrome. Identifiers: Orphanet 363649, MedGen C3715192, MONDO:0014157, OMIM 615381.
POLD1-related polyposis and colorectal cancer syndrome (CRCS10). Also called: Colorectal cancer 10; COLORECTAL CANCER, SUSCEPTIBILITY TO, ON CHROMOSOME 19q; Colorectal cancer, susceptibility to, 10. Identifiers: Orphanet 220460, MedGen C2675481, MONDO:0012953, OMIM 612591.

Submissions (2):

Ambry Genetics
Classification: Uncertain significance for Hereditary cancer-predisposing syndrome. Last evaluated: 2025-10-16. Review status: criteria provided, single submitter. Criteria: Ambry Variant Classification Scheme 2023. Collection method: clinical testing. Allele origin: germline.
Comment: The p.L812M variant (also known as c.2434C>A), located in coding exon 19 of the POLD1 gene, results from a C to A substitution at nucleotide position 2434. The leucine at codon 812 is replaced by methionine, an amino acid with highly similar properties. This amino acid position is conserved. In addition, this alteration is predicted to be tolerated by in silico analysis. Since supporting evidence is limited at this time, the clinical significance of this alteration remains unclear.

Labcorp Genetics (formerly Invitae), Labcorp
Classification: Uncertain significance for POLD1-related polyposis and colorectal cancer syndrome. Last evaluated: 2024-10-22. Review status: criteria provided, single submitter. Criteria: Invitae Variant Classification Sherloc (09022015). Collection method: clinical testing. Allele origin: germline.
Comment: This sequence change replaces leucine, which is neutral and non-polar, with methionine, which is neutral and non-polar, at codon 812 of the POLD1 protein (p.Leu812Met). This variant is not present in population databases (gnomAD no frequency). This variant has not been reported in the literature in individuals affected with POLD1-related conditions. ClinVar contains an entry for this variant (Variation ID: 847974). Invitae Evidence Modeling of protein sequence and biophysical properties (such as structural, functional, and spatial information, amino acid conservation, physicochemical variation, residue mobility, and thermodynamic stability) indicates that this missense variant is not expected to disrupt POLD1 protein function with a negative predictive value of 80%. In summary, the available evidence is currently insufficient to determine the role of this variant in disease. Therefore, it has been classified as a Variant of Uncertain Significance.